The following is an entry in ClinVar:

NM_017491.5(WDR1):c.1376C>T (p.Thr459Met)

Gene: WDR1 (WD repeat domain 1; minus strand). Cytogenetic location: 4p16.1.
Variant type: single nucleotide variant.
Coding change: c.1376C>T on transcript NM_017491.5 (MANE Select); coding-DNA position 1376, C replaced by T.
Protein change: p.Thr459Met; replaces threonine 459 with methionine.
Molecular consequence: missense variant.
Genome position (GRCh38, 1-based): chr4:10,078,910, G>A on the plus strand (C>T on the coding strand, the complement: WDR1 is on the minus strand). VCF-style: chr4-10078910-G-A. GRCh37 (hg19) VCF-style: chr4-10080534-G-A.
Other names: c.956C>T, p.Thr319Met (NM_005112.5); short protein forms T319M, T459M.
Identifiers: ClinVar variation 1445709 (VCV001445709.6), dbSNP rs200861812, ClinGen allele CA2857598.
Genomic context (GRCh38, chr4:10,078,910, plus strand): 5'-TACCAAGGACAGAGAGCACGGGGGAGAGGAAAGCGACTTACCACACCCCCAATTGCCACC[G>A]TGTCCCCGCCGGGGTGCACTGCCACAACTTCGGGCTCGTAGCCGGGGTTGTCGATGCTGA-3'
Protein context (NP_059830.1, residues 449-469): EVVAVHPGGD[Thr459Met]VAIGGVDGNV

ClinVar aggregate classification (germline): Uncertain significance (1 of 4 stars; one submission).

Allele frequency attached by ClinVar (database versions not stated): gnomAD 0.00001; gnomAD exomes 0.00005 and 0.00015; TOPMed 0.00006; ExAC 0.00015; ESP Exome Variant Server 0.00016.
gnomAD v4.1: 72 of 1,612,450 alleles (0.0045%); highest among the groups gnomAD compares: Admixed American, 0.047%; 1 homozygote.

Submission:

Labcorp Genetics (formerly Invitae), Labcorp
Classification: Uncertain significance. Last evaluated: 2023-08-10. Review status: criteria provided, single submitter. Criteria: Invitae Variant Classification Sherloc (09022015). Collection method: clinical testing. Allele origin: germline.
Comment: This sequence change replaces threonine, which is neutral and polar, with methionine, which is neutral and non-polar, at codon 459 of the WDR1 protein (p.Thr459Met). This variant is present in population databases (rs200861812, gnomAD 0.06%). This variant has not been reported in the literature in individuals affected with WDR1-related conditions. ClinVar contains an entry for this variant (Variation ID: 1445709). Algorithms developed to predict the effect of missense changes on protein structure and function output the following: SIFT: "Not Available"; PolyPhen-2: "Benign"; Align-GVGD: "Not Available". The methionine amino acid residue is found in multiple mammalian species, which suggests that this missense change does not adversely affect protein function. In summary, the available evidence is currently insufficient to determine the role of this variant in disease. Therefore, it has been classified as a Variant of Uncertain Significance.